The following is an entry in ClinVar:

NM_014208.3(DSPP):c.1838G>A (p.Ser613Asn)

Genes: DMP1-AS1 (DMP1 and DSPP antisense RNA 1; minus strand), DSPP (dentin sialophosphoprotein; plus strand). Cytogenetic location: 4q22.1.
Variant type: single nucleotide variant.
Coding change: c.1838G>A on transcript NM_014208.3 (MANE Select); coding-DNA position 1838, G replaced by A.
Protein change: p.Ser613Asn; replaces serine 613 with asparagine.
Molecular consequence: missense variant.
Genome position (GRCh38, 1-based): chr4:87,614,500, G>A. VCF-style: chr4-87614500-G-A. GRCh37 (hg19) VCF-style: chr4-88535652-G-A.
Other names: short protein forms S613N.
Identifiers: ClinVar variation 4880950 (VCV004880950.2).

ClinVar aggregate classification (germline): Uncertain significance (1 of 4 stars; one submission).

Submission:

Dasa
Classification: Uncertain significance. Last evaluated: 2026-01-14. Review status: criteria provided, single submitter. Criteria: DASA Assertion Criteria. Collection method: clinical testing. Allele origin: germline.
Comment: NM_014208.3(DSPP):c.1838G>A (p.Ser613Asn) is a missense variant that results in the substitution of serine with asparagine. This variant is rare in population databases. The currently available literature and clinical evidence are not sufficient to establish a definitive association between this variant and the reported condition. Therefore, this variant is classified as a variant of uncertain significance.